The following is an entry in ClinVar:

ClinVar aggregate classification (germline): Conflicting classifications of pathogenicity. Review status: criteria provided, conflicting classifications (1 of 4 stars). 17 submissions from 17 submitters: Pathogenic (5); Likely pathogenic (5); Uncertain significance (6); Likely benign (1). Last evaluated 2026-08-18.

Conditions:
OCA2-related disorder. Also called: OCA2-related condition.
Inborn genetic diseases. Identifiers: MedGen C0950123, MeSH D030342.
SKIN/HAIR/EYE PIGMENTATION 1, BLUE/NONBLUE EYES (SHEP1). Also called: BROWN EYE COLOR 2; EYE COLOR 3; EYE COLOR, BLUE/NONBLUE; EYE COLOR, BROWN/BLUE; HAIR COLOR 3; SKIN/HAIR/EYE PIGMENTATION 1, BLOND/BROWN HAIR. Identifiers: MedGen C1856895, OMIM 227220.
Tyrosinase-positive oculocutaneous albinism (OCA2). Also called: Oculocutaneous albinism type 2; ALBINISM II; Albinism, oculocutaneous, type II. Identifiers: Orphanet 79432, MedGen C0268495, MONDO:0008746, OMIM 203200.
Oculocutaneous albinism. Identifiers: Orphanet 55, MedGen C0078918, MONDO:0018910.

Allele frequency attached by ClinVar (database versions not stated): ESP Exome Variant Server 0.00015; gnomAD 0.00023 and 0.00024; TOPMed 0.00026; ExAC 0.00031; gnomAD exomes 0.00042.
gnomAD v4.1: 384 of 1,613,840 alleles (0.024%); highest among the groups gnomAD compares: Admixed American, 0.015%; no homozygotes.

Submissions 1 to 7 of 17:

PreventionGenetics, part of Exact Sciences
Classification: Uncertain significance for OCA2-related condition. Last evaluated: 2026-08-18. Review status: criteria provided, single submitter. Criteria: ACMG Guidelines, 2015. Collection method: clinical testing. Allele origin: germline.
Comment: The OCA2 c.1320G>C variant is predicted to result in the amino acid substitution p.Leu440Phe. This variant has been reported in the homozygous and compound heterozygous states in individuals with oculocutaneous albinism (Table S3 in Lasseaux et al. 2018. PubMed ID: 29345414; Jackson et al. 2020. PubMed ID: 32830442; Table S1, Lin et al. 2024. PubMed ID: 38219857; Simeonov et al. 2013. PubMed ID: 23504663). This variant has also been reported as a "third" variant in an individual who was homozygous for the OCA2 variant c.79G>A (p.Gly27Arg) (Hutton et al. 2008. PubMed ID: 18326704). This variant is present in 0.84% of alleles in individuals of Ashkenazi Jewish descent and has a global allele frequency of 0.039% in gnomAD, which is higher than expected for a primary cause of disease. Although we suspect that this variant may be pathogenic, at this time, the clinical significance of this variant is uncertain due to the conflicting functional and genetic evidence.

Wales Gene Park, Division Of Cancer and Genetics, Cardiff University
Classification: Likely pathogenic for Tyrosinase-positive oculocutaneous albinism. Last evaluated: 2026-04-28. Review status: criteria provided, single submitter. Criteria: ACGS Best Practice Guidelines for Variant Classification in Rare Disease 2024. Collection method: research. Allele origin: inherited. Inheritance: Autosomal recessive inheritance. Affected: yes. Study: 100,000 Genomes Project (Wales).
Comment: Inherited OCA2 missense variant detected by trio genome sequencing. Evidence codes: PM2, PM3_strong.

Ambry Genetics
Classification: Pathogenic for Inborn genetic diseases. Last evaluated: 2026-02-02. Review status: criteria provided, single submitter. Criteria: Ambry Variant Classification Scheme 2023. Collection method: clinical testing. Allele origin: germline.
Comment: The c.1320G>C (p.L440F) alteration is located in exon 13 (coding exon 12) of the OCA2 gene. This alteration results from a G to C substitution at nucleotide position 1320, causing the leucine (L) at amino acid position 440 to be replaced by a phenylalanine (F). Based on data from gnomAD, the C allele has an overall frequency of 0.039% (109/281394) total alleles studied. The highest observed frequency was 0.843% (87/10322) of Ashkenazi Jewish alleles. This variant has been identified in the homozygous state and/or in conjunction with other OCA2 variant(s) in individual(s) with features consistent with OCA2-related oculocutaneous albinism; in at least one instance, the variants were identified in trans (Jackson, 2020; Lasseaux, 2018; external communication). This amino acid position is highly conserved in available vertebrate species. This alteration is predicted to be deleterious by in silico analysis. Based on the available evidence, this alteration is classified as pathogenic.

Labcorp Genetics (formerly Invitae), Labcorp
Classification: Pathogenic. Last evaluated: 2026-01-26. Review status: criteria provided, single submitter. Criteria: Invitae Variant Classification Sherloc (09022015). Collection method: clinical testing. Allele origin: germline.
Comment: This sequence change replaces leucine, which is neutral and non-polar, with phenylalanine, which is neutral and non-polar, at codon 440 of the OCA2 protein (p.Leu440Phe). This variant is present in population databases (rs1800408, gnomAD 0.8%). This missense change has been observed in individual(s) with oculocutaneous albinism (PMID: 18326704, 18463683, 29345414; internal data). In at least one individual the data is consistent with being in trans (on the opposite chromosome) from a pathogenic variant. ClinVar contains an entry for this variant (Variation ID: 255719). Invitae Evidence Modeling of protein sequence and biophysical properties (such as structural, functional, and spatial information, amino acid conservation, physicochemical variation, residue mobility, and thermodynamic stability) indicates that this missense variant is expected to disrupt OCA2 protein function with a positive predictive value of 80%. For these reasons, this variant has been classified as Pathogenic.

GeneDx
Classification: Likely pathogenic. Last evaluated: 2025-11-02. Review status: criteria provided, single submitter. Criteria: GeneDx Variant Classification Process June 2021. Collection method: clinical testing. Allele origin: germline. Affected: yes.
Comment: Identified in both the heterozygous and homozygous state in several individuals with oculocutaneous albinism in published literature, although some of these individuals also harbored additional variants (including G27R) in the OCA2 gene or in other genes that may also have contributed to their clinical phenotype; additional evidence to suggest pathogenicity or benign classification of the L440F variant was not provided in these studies (PMID: 7601462, 9259203, 18326704, 18463683); Observed with p.(G27R) on the same allele (in cis) in multiple unrelated individuals referred for genetic testing at GeneDx; In silico analysis supports that this missense variant has a deleterious effect on protein structure/function; Identified in both the heterozygous and homozygous state in several individuals with oculocutaneous albinism in published literature, although some of these individuals also harbored additional variants (including G27R) in the OCA2 gene or in other genes that may also have contributed to their clinical phenotype; additional evidence to suggest pathogenicity or benign classification of the L440F variant was not provided in these studies (PMID: 7601462, 9259203, 18326704, 18463683); Identified in both the heterozygous and homozygous state in several individuals with oculocutaneous albinism in published literature, although some of these individuals also harbored additional variants (including G27R) in the OCA2 gene or in other genes that may also have contributed to their clinical phenotype; additional evidence to suggest pathogenicity or benign classification of the L440F variant was not provided in these studies (PMID: 7601462, 9259203, 18326704, 18463683); This variant is associated with the following publications: (PMID: 12163334, 15889046, 17236130, 18463683, 9259203, 18326704, 23824587, 29345414, 18839200, 32830442, 23504663, 7601462, 38219857, 39201349, 39166481)

Laboratory of Genetic Epidemiology, Research Centre for Medical Genetics
Classification: Uncertain significance for SKIN/HAIR/EYE PIGMENTATION 1, BLUE/NONBLUE EYES; Tyrosinase-positive oculocutaneous albinism. Last evaluated: 2025-01-01. Review status: criteria provided, single submitter. Criteria: ACMG Guidelines, 2015. Collection method: clinical testing. Allele origin: unknown. Inheritance: Autosomal recessive inheritance. Affected: yes. Observed: 1 heterozygote.
Comment: This variant has been previously reported in the literature (PMIDs: 29345414, 38219857) and is listed in gnomAD v3.1.2 with allele frequency 0.00004 in Europe (3/68022). The affected amino acid position is evolutionarily conserved, and multiple in silico prediction tools support a deleterious effect. Taken together, the variant meets the following ACMG/AMP criteria and can be classified as uncertain significance with PM2, PP5, PP4 criteria.

Women's Health and Genetics/Laboratory Corporation of America, LabCorp
Classification: Pathogenic for Oculocutaneous albinism. Last evaluated: 2024-11-27. Review status: criteria provided, single submitter. Criteria: LabCorp Variant Classification Summary - May 2015. Collection method: clinical testing. Allele origin: germline.
Comment: Variant summary: OCA2 c.1320G>C (p.Leu440Phe) results in a non-conservative amino acid change located in the Citrate transporter-like domain of the encoded protein sequence. Five of five in-silico tools predict a damaging effect of the variant on protein function. The variant allele was found at a frequency of 0.00042 in 250002 control chromosomes. This frequency is not significantly higher than estimated for a pathogenic variant in OCA2 causing Oculocutaneous Albinism (0.00042 vs 0.0043), allowing no conclusion about variant significance. c.1320G>C has been reported in the literature in multiple individuals affected with Oculocutaneous Albinism (examples: Lasseaux_2018, Lin_2024, Internal data). These data indicate that the variant is very likely to be associated with disease. The following publications have been ascertained in the context of this evaluation (PMID: 29345414, 38219857, No_PMID). ClinVar contains an entry for this variant (Variation ID: 255719). Based on the evidence outlined above, the variant was classified as pathogenic.

NM_000275.3(OCA2):c.1320G>C (p.Leu440Phe)

Gene: OCA2 (OCA2 melanosomal transmembrane protein; minus strand). Cytogenetic location: 15q13.1.
Variant type: single nucleotide variant.
Coding change: c.1320G>C on transcript NM_000275.3 (MANE Select); coding-DNA position 1320, G replaced by C.
Protein change: p.Leu440Phe; replaces leucine 440 with phenylalanine.
Molecular consequence: missense variant.
Genome position (GRCh38, 1-based): chr15:27,985,108, C>G on the plus strand (G>C on the coding strand, the complement: OCA2 is on the minus strand). VCF-style: chr15-27985108-C-G. GRCh37 (hg19) VCF-style: chr15-28230254-C-G.
Other names: c.1248G>C, p.Leu416Phe (NM_001300984.2); short protein forms L440F, L416F.
Identifiers: ClinVar variation 255719 (VCV000255719.46), dbSNP rs1800408, ClinGen allele CA7439082.